The following is an entry in ClinVar:

NM_000061.3(BTK):c.*334T>G

Gene: BTK (Bruton tyrosine kinase; minus strand). Cytogenetic location: Xq22.1.
Variant type: single nucleotide variant.
Coding change: c.*334T>G on transcript NM_000061.3 (MANE Select); 334 bases downstream of the stop codon, T replaced by G.
Molecular consequence: 3 prime UTR variant.
Genome position (GRCh38, 1-based): chrX:101,349,551, A>C on the plus strand (T>G on the coding strand, the complement: BTK is on the minus strand). VCF-style: chrX-101349551-A-C. GRCh37 (hg19) VCF-style: chrX-100604539-A-C.
Other names: c.*334T>G (NM_001287344.2, NM_001287345.2).
Identifiers: ClinVar variation 367692 (VCV000367692.6), dbSNP rs183674618, ClinGen allele CA10645814.

ClinVar aggregate classification (germline): Benign. Review status: criteria provided, multiple submitters, no conflicts (2 of 4 stars). 3 submissions from 2 submitters: Benign (3). Last evaluated 2017-04-27.

Conditions:
X-linked agammaglobulinemia with growth hormone deficiency (IGHD3). Also called: ISOLATED GROWTH HORMONE DEFICIENCY, TYPE III, WITH AGAMMAGLOBULINEMIA; AGAMMAGLOBULINEMIA AND ISOLATED GROWTH HORMONE DEFICIENCY, X-LINKED; FLEISHER SYNDROME; HYPOGAMMAGLOBULINEMIA AND ISOLATED GROWTH HORMONE DEFICIENCY, X-LINKED; IGHD III; Isolated growth hormone deficiency type 3. Identifiers: Orphanet 231692, Orphanet 631, MedGen C0472813, MONDO:0010615, OMIM 307200.
X-linked agammaglobulinemia (XLA). Also called: Bruton-type agammaglobulinemia; Agammaglobulinemia, Bruton tyrosine kinase; Agammaglobulinemia, BTK; BTK-deficiency; IMMUNODEFICIENCY 1; Bruton's agammaglobulinemia. Identifiers: Orphanet 229717, Orphanet 47, MedGen C0221026, MONDO:0010421, OMIM 300755.

Allele frequency attached by ClinVar (database versions not stated): gnomAD exomes 0.00347; gnomAD 0.02551 and 0.02721; 1000 Genomes Project 0.02702; 1000 Genomes Project 30x 0.02768; TOPMed 0.03165.
gnomAD v4.1: 3,192 of 229,791 alleles (1.4%); highest among the groups gnomAD compares: African/African-American, 8.4%; 113 homozygotes.

Submissions (3):

Illumina Laboratory Services, Illumina
Classification: Benign for X-linked agammaglobulinemia. Last evaluated: 2017-04-27. Review status: criteria provided, single submitter. Criteria: ICSL Variant Classification Criteria 13 December 2019. Collection method: clinical testing. Allele origin: germline.
Comment: This variant was observed as part of a predisposition screen in an ostensibly healthy population. A literature search was performed for the gene, cDNA change, and amino acid change (where applicable). No publications were found based on this search. Allele frequency data from public databases was too high to be consistent with this variant causing disease. Therefore, this variant is classified as benign.

Illumina Laboratory Services, Illumina
Classification: Benign for X-linked agammaglobulinemia with growth hormone deficiency. Last evaluated: 2017-04-27. Review status: criteria provided, single submitter. Criteria: ICSL Variant Classification Criteria 13 December 2019. Collection method: clinical testing. Allele origin: germline.
Comment: the same text as in the submission from Illumina Laboratory Services, Illumina above.

Breakthrough Genomics
Classification: Benign. Review status: criteria provided, single submitter. Criteria: ACMG Guidelines, 2015. Collection method: not provided. Allele origin: germline. Inheritance: X-linked inheritance. Affected: yes.